The following is an entry in ClinVar:

NM_001177316.2(SLC34A3):c.1336-1G>T

Gene: SLC34A3 (solute carrier family 34 member 3; plus strand). Cytogenetic location: 9q34.3.
Variant type: single nucleotide variant.
Coding change: c.1336-1G>T on transcript NM_001177316.2 (MANE Select); the canonical splice acceptor site of the intron before coding-DNA position 1336, G replaced by T.
Molecular consequence: splice acceptor variant.
Genome position (GRCh38, 1-based): chr9:137,235,951, G>T. VCF-style: chr9-137235951-G-T. GRCh37 (hg19) VCF-style: chr9-140130403-G-T.
Other names: c.1336-1G>T (NM_001177317.2, NM_080877.3).
Identifiers: ClinVar variation 2004691 (VCV002004691.4), dbSNP rs2538820205, ClinGen allele CA375739846.
Genomic context (GRCh38, chr9:137,235,951, plus strand): 5'-CGGGGCCCCTGGTGACCCCACCTCGTTGGGCCCAGGCCCCTGACAGCCCCCTCGCCCCCA[G>T]GTCGCCCTCATCCACTTCTTCTTCAACCTGGCCGGCATCCTGCTGTGGTACCTGGTGCCT-3'

ClinVar aggregate classification (germline): Likely pathogenic (1 of 4 stars; one submission).

Submission:

Labcorp Genetics (formerly Invitae), Labcorp
Classification: Likely pathogenic. Last evaluated: 2024-06-03. Review status: criteria provided, single submitter. Criteria: Invitae Variant Classification Sherloc (09022015). Collection method: clinical testing. Allele origin: germline.
Comment: This sequence change affects an acceptor splice site in intron 12 of the SLC34A3 gene. While this variant is not anticipated to result in nonsense mediated decay, it likely alters RNA splicing and results in a disrupted protein product. This variant is not present in population databases (gnomAD no frequency). Disruption of this splice site has been observed in individual(s) with hypophosphatemic rickets with hypercalciuria (PMID: 31440709). In at least one individual the data is consistent with being in trans (on the opposite chromosome) from a pathogenic variant. ClinVar contains an entry for this variant (Variation ID: 2004691). Variants that disrupt the consensus splice site are a relatively common cause of aberrant splicing (PMID: 17576681, 9536098). Algorithms developed to predict the effect of sequence changes on RNA splicing suggest that this variant may disrupt the consensus splice site. In summary, the currently available evidence indicates that the variant is pathogenic, but additional data are needed to prove that conclusively. Therefore, this variant has been classified as Likely Pathogenic.

Literature cited by the submitters: PubMed 31440709; PubMed 17576681; PubMed 9536098.